The following is an entry in ClinVar:

NM_004924.6(ACTN4):c.551A>G (p.Asn184Ser)

Gene: ACTN4 (actinin alpha 4; plus strand). Cytogenetic location: 19q13.2.
Variant type: single nucleotide variant.
Coding change: c.551A>G on transcript NM_004924.6 (MANE Select); coding-DNA position 551, A replaced by G.
Protein change: p.Asn184Ser; replaces asparagine 184 with serine.
Molecular consequence: missense variant.
Genome position (GRCh38, 1-based): chr19:38,706,110, A>G. VCF-style: chr19-38706110-A-G. GRCh37 (hg19) VCF-style: chr19-39196750-A-G.
Other names: c.551A>G, p.Asn184Ser (NM_001322033.2, NM_001411143.1); c.551A>G (NM_004924.4); short protein forms N184S.
Identifiers: ClinVar variation 1900192 (VCV001900192.6), dbSNP rs202126611, ClinGen allele CA9417306.

ClinVar aggregate classification (germline): Uncertain significance. Review status: criteria provided, multiple submitters, no conflicts (2 of 4 stars). 2 submissions from 2 submitters: Uncertain significance (2). Last evaluated 2025-05-15.

Allele frequency attached by ClinVar (database versions not stated): gnomAD exomes 0.00001; TOPMed 0.00001; ExAC 0.00002; gnomAD 0.00002; 1000 Genomes Project 0.00020; 1000 Genomes Project 30x 0.00031.
gnomAD v4.1: 24 of 1,614,084 alleles (0.0015%); highest among the groups gnomAD compares: East Asian, 0.0022%; no homozygotes.

Submissions (2):

GeneDx
Classification: Uncertain significance. Last evaluated: 2025-05-15. Review status: criteria provided, single submitter. Criteria: GeneDx Variant Classification Process June 2021. Collection method: clinical testing. Allele origin: germline. Affected: yes.
Comment: In silico analysis supports that this missense variant has a deleterious effect on protein structure/function; Has not been previously published as pathogenic or benign to our knowledge

Labcorp Genetics (formerly Invitae), Labcorp
Classification: Uncertain significance. Last evaluated: 2022-06-29. Review status: criteria provided, single submitter. Criteria: Invitae Variant Classification Sherloc (09022015). Collection method: clinical testing. Allele origin: germline.
Comment: In summary, the available evidence is currently insufficient to determine the role of this variant in disease. Therefore, it has been classified as a Variant of Uncertain Significance. Algorithms developed to predict the effect of missense changes on protein structure and function are either unavailable or do not agree on the potential impact of this missense change (SIFT: "Not Available"; PolyPhen-2: "Probably Damaging"; Align-GVGD: "Not Available"). This variant has not been reported in the literature in individuals affected with ACTN4-related conditions. This variant is present in population databases (rs202126611, gnomAD 0.004%). This sequence change replaces asparagine, which is neutral and polar, with serine, which is neutral and polar, at codon 184 of the ACTN4 protein (p.Asn184Ser).